The following is an entry in ClinVar:

ClinVar aggregate classification (germline): Likely pathogenic (1 of 4 stars; one submission).

Submission:

GeneDx
Classification: Likely pathogenic. Last evaluated: 2025-10-15. Review status: criteria provided, single submitter. Criteria: GeneDx Variant Classification Process June 2021. Collection method: clinical testing. Allele origin: germline. Affected: yes.
Comment: Not observed at significant frequency in large population cohorts (gnomAD); In silico analysis supports that this missense variant has a deleterious effect on protein structure/function; Has not been previously published as pathogenic or benign to our knowledge

NM_005639.3(SYT1):c.1093T>C (p.Tyr365His)

Gene: SYT1 (synaptotagmin 1; plus strand). Cytogenetic location: 12q21.2.
Variant type: single nucleotide variant.
Coding change: c.1093T>C on transcript NM_005639.3 (MANE Select); coding-DNA position 1093, T replaced by C.
Protein change: p.Tyr365His; replaces tyrosine 365 with histidine.
Molecular consequence: missense variant.
Genome position (GRCh38, 1-based): chr12:79,448,948, T>C. VCF-style: chr12-79448948-T-C. GRCh37 (hg19) VCF-style: chr12-79842728-T-C.
Other names: c.1093T>C, p.Tyr365His (NM_001135805.2, NM_001135806.2); c.1084T>C, p.Tyr362His (NM_001291901.2); short protein forms Y362H, Y365H.
Identifiers: ClinVar variation 1309093 (VCV001309093.3), dbSNP rs2136211948, ClinGen allele CA385931848.